The following is an entry in ClinVar:

ClinVar aggregate classification (germline): Conflicting classifications of pathogenicity. Review status: criteria provided, conflicting classifications (1 of 4 stars). 3 submissions from 3 submitters: Uncertain significance (2); Likely benign (1). Last evaluated 2025-05-07.

Conditions:
Intellectual developmental disorder, autosomal dominant 46. Also called: Intellectual disability, autosomal dominant 46; MENTAL RETARDATION, AUTOSOMAL DOMINANT 46. Identifiers: MedGen C4539851, MONDO:0030911, OMIM 617601.

Submissions (3):

Labcorp Genetics (formerly Invitae), Labcorp
Classification: Likely benign. Last evaluated: 2025-05-07. Review status: criteria provided, single submitter. Criteria: Invitae Variant Classification Sherloc (09022015). Collection method: clinical testing. Allele origin: germline.

Greenwood Genetic Center Diagnostic Laboratories, Greenwood Genetic Center
Classification: Uncertain significance. Last evaluated: 2023-02-06. Review status: criteria provided, single submitter. Criteria: ACMG Guidelines, 2015. Collection method: clinical testing. Allele origin: germline. Affected: yes.
Comment: PM2

UNC Molecular Genetics  Laboratory, University of North Carolina at Chapel Hill
Classification: Uncertain significance for Intellectual developmental disorder, autosomal dominant 46. Last evaluated: 2021-01-01. Review status: criteria provided, single submitter. Criteria: ACMG Guidelines, 2015. Collection method: research. Allele origin: germline. Observed: 1 variant allele. Study: CSER_NCGENES.
Comment: The KCNQ5 c.2228del (p.Ala743Glufs*62) is a frameshift variant located in the last exon of the gene and therefore may result in a truncated protein and escape from nonsense-mediated RNA decay (NMD). To our knowledge, this variant has not been previously reported in affected individuals in the literature. This variant is not present in human population databases such as gnomAD. This variant is classified as a variant of uncertain significance.

NM_019842.4(KCNQ5):c.2228del (p.Ala743fs)

Gene: KCNQ5 (potassium voltage-gated channel subfamily Q member 5; plus strand). Cytogenetic location: 6q13.
Variant type: Deletion.
Coding change: c.2228del on transcript NM_019842.4 (MANE Select); coding-DNA position 2228, one base deleted (C; older notation c.2228delC).
Protein change: p.Ala743fs; shifts the reading frame from alanine 743.
Molecular consequence: frameshift variant.
Genome position (GRCh38, 1-based): chr6:73,194,843, C deleted. VCF-style (leftmost placement, unchanged base first): chr6-73194842-GC-G. GRCh37 (hg19) VCF-style: chr6-73904565-GC-G.
Other names: c.2201del, p.Ala734fs (NM_001160130.2); c.2258del, p.Ala753fs (NM_001160132.2); c.2285del, p.Ala762fs (NM_001160133.2); c.1898del, p.Ala633fs (NM_001160134.2); c.2285del (NM_001160133.1); short protein forms A633fs, A734fs, A743fs, A753fs, A762fs.
Identifiers: ClinVar variation 1064571 (VCV001064571.3), dbSNP rs2150527930, ClinGen allele CA1139770904.